The following is an entry in ClinVar:

ClinVar aggregate classification (germline): Uncertain significance. Review status: criteria provided, multiple submitters, no conflicts (2 of 4 stars). 2 submissions from 2 submitters: Uncertain significance (2). Last evaluated 2025-05-23.

Conditions:
Desmin-related myofibrillar myopathy (MFM1). Also called: Desminopathy; MYOFIBRILLAR MYOPATHY WITH ARRHYTHMOGENIC RIGHT VENTRICULAR CARDIOMYOPATHY; DESMIN-RELATED MYOPATHY WITH ARRHYTHMOGENIC RIGHT VENTRICULAR CARDIOMYOPATHY; Myofibrillar myopathy 1; Desmin related myopathy (former name); Desmin storage myopathy (former name). Identifiers: Orphanet 363543, Orphanet 98909, MedGen C1832370, MONDO:0011076, OMIM 601419.

gnomAD v4.1: 2 of 1,563,530 alleles (0.00013%); highest among the groups gnomAD compares: Non-Finnish European, 0.00017%; no homozygotes.

Submissions (2):

Labcorp Genetics (formerly Invitae), Labcorp
Classification: Uncertain significance for Desmin-related myofibrillar myopathy. Last evaluated: 2025-05-23. Review status: criteria provided, single submitter. Criteria: Invitae Variant Classification Sherloc (09022015). Collection method: clinical testing. Allele origin: germline.
Comment: This sequence change replaces arginine, which is basic and polar, with leucine, which is neutral and non-polar, at codon 105 of the DES protein (p.Arg105Leu). This variant is not present in population databases (gnomAD no frequency). This variant has not been reported in the literature in individuals affected with DES-related conditions. ClinVar contains an entry for this variant (Variation ID: 1044957). Invitae Evidence Modeling of protein sequence and biophysical properties (such as structural, functional, and spatial information, amino acid conservation, physicochemical variation, residue mobility, and thermodynamic stability) indicates that this missense variant is expected to disrupt DES protein function with a positive predictive value of 95%. In summary, the available evidence is currently insufficient to determine the role of this variant in disease. Therefore, it has been classified as a Variant of Uncertain Significance.

GeneDx
Classification: Uncertain significance. Last evaluated: 2024-12-27. Review status: criteria provided, single submitter. Criteria: GeneDx Variant Classification Process June 2021. Collection method: clinical testing. Allele origin: germline. Affected: yes.
Comment: Not observed at significant frequency in large population cohorts (gnomAD); In silico analysis supports that this missense variant has a deleterious effect on protein structure/function; Has not been previously published as pathogenic or benign to our knowledge; This variant is associated with the following publications: (PMID: 26807690)

NM_001927.4(DES):c.314G>T (p.Arg105Leu)

Gene: DES (desmin; plus strand). Cytogenetic location: 2q35.
Variant type: single nucleotide variant.
Coding change: c.314G>T on transcript NM_001927.4 (MANE Select); coding-DNA position 314, G replaced by T.
Protein change: p.Arg105Leu; replaces arginine 105 with leucine.
Molecular consequence: missense variant.
Genome position (GRCh38, 1-based): chr2:219,418,776, G>T. VCF-style: chr2-219418776-G-T. GRCh37 (hg19) VCF-style: chr2-220283498-G-T.
Other names: c.314G>T (NM_001927.3); c.314G>T, p.Arg105Leu (NM_001382708.1, NM_001382709.1, NM_001382710.1 and 3 more transcripts); short protein forms R105L.
Identifiers: ClinVar variation 1044957 (VCV001044957.9), dbSNP rs1406795636, ClinGen allele CA350685162.